The following is an entry in ClinVar:

NM_000288.4(PEX7):c.25G>C (p.Ala9Pro)

Gene: PEX7 (peroxisomal biogenesis factor 7; plus strand). Cytogenetic location: 6q23.3.
Variant type: single nucleotide variant.
Coding change: c.25G>C on transcript NM_000288.4 (MANE Select); coding-DNA position 25, G replaced by C.
Protein change: p.Ala9Pro; replaces alanine 9 with proline.
Molecular consequence: missense variant.
Genome position (GRCh38, 1-based): chr6:136,822,690, G>C. VCF-style: chr6-136822690-G-C. GRCh37 (hg19) VCF-style: chr6-137143828-G-C.
Other names: short protein forms A9P.
Identifiers: ClinVar variation 2579438 (VCV002579438.1), dbSNP rs1279171914, ClinGen allele CA365855104.

ClinVar aggregate classification (germline): Uncertain significance (1 of 4 stars; one submission).

Submission:

GeneDx
Classification: Uncertain significance. Last evaluated: 2023-03-07. Review status: criteria provided, single submitter. Criteria: GeneDx Variant Classification Process June 2021. Collection method: clinical testing. Allele origin: germline. Affected: yes.
Comment: Not observed at significant frequency in large population cohorts (gnomAD); In silico analysis supports that this missense variant does not alter protein structure/function; Has not been previously published as pathogenic or benign to our knowledge